The following is an entry in ClinVar:

NM_000535.7(PMS2):c.58C>A (p.Arg20=)

Gene: PMS2 (PMS1 homolog 2, mismatch repair system component; minus strand). Cytogenetic location: 7p22.1.
Variant type: single nucleotide variant.
Coding change: c.58C>A on transcript NM_000535.7 (MANE Select); coding-DNA position 58, C replaced by A.
Protein change: p.Arg20=; no amino-acid change (arginine 20 retained).
Molecular consequence: synonymous variant. On other transcripts: 5 prime UTR variant (8), non-coding transcript variant (1), intron variant (3).
Genome position (GRCh38, 1-based): chr7:6,005,997, G>T on the plus strand (C>A on the coding strand, the complement: PMS2 is on the minus strand). VCF-style: chr7-6005997-G-T. GRCh37 (hg19) VCF-style: chr7-6045628-G-T.
Other names: c.-348C>A (NM_001322003.2, NM_001322005.2, NM_001322009.2 and 1 more transcripts); c.58C>A, p.Arg20= (NM_001322006.2, NM_001322014.2); c.-158C>A (NM_001322007.2); c.-827C>A (NM_001322011.2, NM_001322012.2); c.-427C>A (NM_001322015.2); c.-52-1939C>A (NM_001322008.2); c.-242-1939C>A (NM_001322010.2, NM_001322004.2).
Identifiers: ClinVar variation 826044 (VCV000826044.13), dbSNP rs573374779, ClinGen allele CA050450.
Genomic context (GRCh38, chr7:6,005,997, plus strand): 5'-TTACCGCAGTGCTTAGACTCAGTACCACCTGCCCAGAGCAAATCTGATGGACTGACTTCC[G>T]ATCAATAGGTTTGATGGCCTTAGCAGGTTCTGTACTAGAGAAATCAGTTACAAGAAACAA-3'
Protein context (NP_000526.2, residues 10-30): EPAKAIKPID[Arg20=]KSVHQICSGQ

ClinVar aggregate classification (germline): Uncertain significance. Review status: criteria provided, multiple submitters, no conflicts (2 of 4 stars). 2 submissions from 2 submitters: Uncertain significance (2). Last evaluated 2025-06-27.

Conditions:
Hereditary cancer-predisposing syndrome. Also called: Neoplastic Syndromes, Hereditary; Tumor predisposition; Hereditary neoplastic syndrome; Hereditary Cancer Syndrome. Identifiers: Orphanet 140162, MedGen C0027672, MeSH D009386, MONDO:0015356.
Hereditary nonpolyposis colorectal neoplasms. Identifiers: MedGen C0009405, MeSH D003123.

Submissions (2):

Ambry Genetics
Classification: Uncertain significance for Hereditary cancer-predisposing syndrome. Last evaluated: 2025-06-27. Review status: criteria provided, single submitter. Criteria: Ambry Variant Classification Scheme 2023. Collection method: clinical testing. Allele origin: germline.
Comment: The c.58C>A variant (also known as p.R20R), located in coding exon 2 of the PMS2 gene, results from a C to A substitution at nucleotide position 58. This nucleotide substitution does not change the amino acid at codon 20. In silico splice site analysis predicts that this alteration may weaken the native splice acceptor site; however, direct evidence is insufficient at this time (Ambry internal data). Based on the available evidence, the clinical significance of this variant remains unclear.

Labcorp Genetics (formerly Invitae), Labcorp
Classification: Uncertain significance for Hereditary nonpolyposis colorectal neoplasms. Last evaluated: 2024-11-04. Review status: criteria provided, single submitter. Criteria: Invitae Variant Classification Sherloc (09022015). Collection method: clinical testing. Allele origin: germline.
Comment: This sequence change affects codon 20 of the PMS2 mRNA. It is a 'silent' change, meaning that it does not change the encoded amino acid sequence of the PMS2 protein. This variant is present in population databases (rs573374779, gnomAD 0.003%). This variant has not been reported in the literature in individuals affected with PMS2-related conditions. ClinVar contains an entry for this variant (Variation ID: 826044). Algorithms developed to predict the effect of sequence changes on RNA splicing suggest that this variant may disrupt the consensus splice site. In summary, the available evidence is currently insufficient to determine the role of this variant in disease. Therefore, it has been classified as a Variant of Uncertain Significance.